The following is an entry in ClinVar:

NM_006914.4(RORB):c.430G>A (p.Gly144Arg)

Gene: RORB (RAR related orphan receptor B; plus strand). Cytogenetic location: 9q21.13.
Variant type: single nucleotide variant.
Coding change: c.430G>A on transcript NM_006914.4 (MANE Select); coding-DNA position 430, G replaced by A.
Protein change: p.Gly144Arg; replaces glycine 144 with arginine.
Molecular consequence: missense variant.
Genome position (GRCh38, 1-based): chr9:74,642,608, G>A. VCF-style: chr9-74642608-G-A. GRCh37 (hg19) VCF-style: chr9-77257524-G-A.
Other names: c.463G>A, p.Gly155Arg (NM_001365023.1); short protein forms G144R, G155R.
Identifiers: ClinVar variation 1470254 (VCV001470254.8), dbSNP rs571973540, ClinGen allele CA5083369.
Genomic context (GRCh38, chr9:74,642,608, plus strand): 5'-AGCAGCATTAGCAACGGCCTGAGCAACCTGAACAACGAGACCAGCGGCACTTATGCCAAC[G>A]GGCACGTCATTGACCTGCCCAAGTCTGAGGGTTATTACAACGTCGATTCCGGTCAGCCGT-3'
Protein context (NP_008845.2, residues 134-154): NNETSGTYAN[Gly144Arg]HVIDLPKSEG

ClinVar aggregate classification (germline): Uncertain significance (1 of 4 stars; one submission).

Allele frequency attached by ClinVar (database versions not stated): ExAC 0.00002; gnomAD exomes 0.00002.

Submission:

Labcorp Genetics (formerly Invitae), Labcorp
Classification: Uncertain significance. Last evaluated: 2025-03-05. Review status: criteria provided, single submitter. Criteria: Invitae Variant Classification Sherloc (09022015). Collection method: clinical testing. Allele origin: germline.
Comment: This sequence change replaces glycine, which is neutral and non-polar, with arginine, which is basic and polar, at codon 144 of the RORB protein (p.Gly144Arg). This variant is present in population databases (rs571973540, gnomAD 0.02%). This variant has not been reported in the literature in individuals affected with RORB-related conditions. ClinVar contains an entry for this variant (Variation ID: 1470254). An algorithm developed to predict the effect of missense changes on protein structure and function (PolyPhen-2) suggests that this variant is likely to be tolerated. In summary, the available evidence is currently insufficient to determine the role of this variant in disease. Therefore, it has been classified as a Variant of Uncertain Significance.